The following is an entry in ClinVar:

NM_000090.4(COL3A1):c.931C>T (p.Pro311Ser)

Gene: COL3A1 (collagen type III alpha 1 chain; plus strand). Cytogenetic location: 2q32.2.
Variant type: single nucleotide variant.
Coding change: c.931C>T on transcript NM_000090.4 (MANE Select); coding-DNA position 931, C replaced by T.
Protein change: p.Pro311Ser; replaces proline 311 with serine.
Molecular consequence: missense variant.
Genome position (GRCh38, 1-based): chr2:188,991,702, C>T. VCF-style: chr2-188991702-C-T. GRCh37 (hg19) VCF-style: chr2-189856428-C-T.
Other names: short protein forms P311S.
Identifiers: ClinVar variation 1171593 (VCV001171593.5), dbSNP rs2153502120, ClinGen allele CA349850025.

ClinVar aggregate classification (germline): Uncertain significance. Review status: criteria provided, multiple submitters, no conflicts (2 of 4 stars). 2 submissions from 2 submitters: Uncertain significance (2). Last evaluated 2024-03-06.

Conditions:
Familial thoracic aortic aneurysm and aortic dissection (TAAD). Also called: Thoracic aortic aneurysms and dissections. Identifiers: Orphanet 91387, MedGen C4707243, MONDO:0019625.
Ehlers-Danlos syndrome, type 4 (EDSVASC). Also called: Ehlers-Danlos syndrome vascular type; Ehlers Danlos syndrome, ecchymotic type; Ehlers Danlos syndrome, arterial type; Ehlers Danlos syndrome, Sack-Barabas type; Ehlers-Danlos Syndrome Type IV. Identifiers: Orphanet 286, MedGen C0268338, MONDO:0017314, OMIM 130050.

Submissions (2):

Color Diagnostics, LLC DBA Color Health
Classification: Uncertain significance for Familial thoracic aortic aneurysm and aortic dissection. Last evaluated: 2024-03-06. Review status: criteria provided, single submitter. Criteria: ACMG Guidelines, 2015. Collection method: clinical testing. Allele origin: germline.
Comment: This missense variant replaces proline with serine at codon 311 of the COL3A1 protein. Computational prediction is inconclusive regarding the impact of this variant on protein structure and function (internally defined REVEL score threshold 0.5 < inconclusive < 0.7, PMID: 27666373). To our knowledge, functional studies have not been reported for this variant. This variant has not been reported in individuals affected with cardiovascular disorders in the literature. This variant has not been identified in the general population by the Genome Aggregation Database (gnomAD). The available evidence is insufficient to determine the role of this variant in disease conclusively. Therefore, this variant is classified as a Variant of Uncertain Significance.

All of Us Research Program, National Institutes of Health
Classification: Uncertain significance for Ehlers-Danlos syndrome, type 4. Last evaluated: 2023-02-24. Review status: criteria provided, single submitter. Criteria: ACMG Guidelines, 2015. Collection method: clinical testing. Allele origin: germline. Inheritance: Autosomal dominant inheritance. Observed: 1 variant allele, 1 heterozygote.
Comment: This missense variant replaces proline with serine at codon 311 of the COL3A1 protein. Computational prediction is inconclusive regarding the impact of this variant on protein structure and function (internally defined REVEL score threshold 0.5 < inconclusive < 0.7, PMID: 27666373). To our knowledge, functional studies have not been reported for this variant. This variant has not been reported in individuals affected with cardiovascular disorders in the literature. This variant has not been identified in the general population by the Genome Aggregation Database (gnomAD). The available evidence is insufficient to determine the role of this variant in disease conclusively. Therefore, this variant is classified as a Variant of Uncertain Significance.

This study involves interpretation of variants in research participants for the purpose of population health screening. Participant phenotype was not available at the time of variant classification. Additional details can be found in publication PMID: 35346344, PMCID: PMC8962531